The following is an entry in ClinVar:

ClinVar aggregate classification (germline): Likely benign (1 of 4 stars; one submission).

Conditions:
MYOZ2-related disorder. Also called: MYOZ2-related condition.

Submission:

PreventionGenetics, part of Exact Sciences
Classification: Likely benign for MYOZ2-related condition. Last evaluated: 2026-06-23. Review status: criteria provided, single submitter. Criteria: ACMG Guidelines, 2015. Collection method: clinical testing. Allele origin: germline.
Comment: This variant is classified as likely benign based on ACMG/AMP sequence variant interpretation guidelines (Richards et al. 2015 PMID: 25741868, with internal and published modifications).

NM_016599.5(MYOZ2):c.-33A>G

Gene: MYOZ2 (myozenin 2; plus strand). Cytogenetic location: 4q26.
Variant type: single nucleotide variant.
Coding change: c.-33A>G on transcript NM_016599.5 (MANE Select); 33 bases upstream of the start codon, A replaced by G.
Molecular consequence: 5 prime UTR variant.
Genome position (GRCh38, 1-based): chr4:119,135,964, A>G. VCF-style: chr4-119135964-A-G. GRCh37 (hg19) VCF-style: chr4-120057119-A-G.
Other names: c.-33A>G (NM_001440645.1, NM_001440646.1).
Identifiers: ClinVar variation 4989650 (VCV004989650.1).